The following is an entry in ClinVar:

NM_004064.5(CDKN1B):c.479C>A (p.Ser160Tyr)

Gene: CDKN1B (cyclin dependent kinase inhibitor 1B; plus strand). Cytogenetic location: 12p13.1.
Variant type: single nucleotide variant.
Coding change: c.479C>A on transcript NM_004064.5 (MANE Select); coding-DNA position 479, C replaced by A.
Protein change: p.Ser160Tyr; replaces serine 160 with tyrosine.
Molecular consequence: missense variant.
Genome position (GRCh38, 1-based): chr12:12,718,828, C>A. VCF-style: chr12-12718828-C-A. GRCh37 (hg19) VCF-style: chr12-12871762-C-A.
Other names: c.479C>A (NM_004064.3); short protein forms S160Y.
Identifiers: ClinVar variation 1499433 (VCV001499433.8), dbSNP rs770629019, ClinGen allele CA383972508.
Genomic context (GRCh38, chr12:12,718,828, plus strand): 5'-CATTGTTTTTTCTAATAAAGATTGTGTGTTCTTTTTAAAAATTTCCCCTGCGCTTAGATT[C>A]TTCTACTCAAAACAAAAGAGCCAACAGAACAGAAGAAAATGTTTCAGACGGTTCCCCAAA-3'
Protein context (NP_004055.1, residues 150-170): GIRKRPATDD[Ser160Tyr]STQNKRANRT

ClinVar aggregate classification (germline): Uncertain significance. Review status: criteria provided, multiple submitters, no conflicts (2 of 4 stars). 3 submissions from 3 submitters: Uncertain significance (3). Last evaluated 2025-12-17.

Conditions:
Hereditary cancer-predisposing syndrome. Also called: Tumor predisposition; Hereditary neoplastic syndrome; Neoplastic Syndromes, Hereditary; Hereditary Cancer Syndrome. Identifiers: Orphanet 140162, MedGen C0027672, MeSH D009386, MONDO:0015356.
Multiple endocrine neoplasia type 4. Also called: MULTIPLE ENDOCRINE NEOPLASIA, TYPE IV. Identifiers: Orphanet 276152, MedGen C1970712, MONDO:0012552, OMIM 610755.

gnomAD v4.1: 2 of 1,613,892 alleles (0.00012%); highest among the groups gnomAD compares: Non-Finnish European, 0.00017%; no homozygotes.

Submissions (3):

Labcorp Genetics (formerly Invitae), Labcorp
Classification: Uncertain significance for Multiple endocrine neoplasia type 4. Last evaluated: 2025-12-17. Review status: criteria provided, single submitter. Criteria: Invitae Variant Classification Sherloc (09022015). Collection method: clinical testing. Allele origin: germline.
Comment: This sequence change replaces serine, which is neutral and polar, with tyrosine, which is neutral and polar, at codon 160 of the CDKN1B protein (p.Ser160Tyr). This variant is not present in population databases (gnomAD no frequency). This variant has not been reported in the literature in individuals affected with CDKN1B-related conditions. ClinVar contains an entry for this variant (Variation ID: 1499433). An algorithm developed to predict the effect of missense changes on protein structure and function (PolyPhen-2) suggests that this variant is likely to be tolerated. In summary, the available evidence is currently insufficient to determine the role of this variant in disease. Therefore, it has been classified as a Variant of Uncertain Significance.

Fulgent Genetics
Classification: Uncertain significance for Multiple endocrine neoplasia type 4. Last evaluated: 2024-05-02. Review status: criteria provided, single submitter. Criteria: ACMG Guidelines, 2015. Collection method: clinical testing. Allele origin: germline.

Ambry Genetics
Classification: Uncertain significance for Hereditary cancer-predisposing syndrome. Last evaluated: 2023-12-18. Review status: criteria provided, single submitter. Criteria: Ambry Variant Classification Scheme 2023. Collection method: clinical testing. Allele origin: germline.
Comment: The p.S160Y variant (also known as c.479C>A), located in coding exon 2 of the CDKN1B gene, results from a C to A substitution at nucleotide position 479. The serine at codon 160 is replaced by tyrosine, an amino acid with dissimilar properties. This amino acid position is conserved. In addition, this alteration is predicted to be tolerated by in silico analysis. Since supporting evidence is limited at this time, the clinical significance of this alteration remains unclear.